The following is an entry in ClinVar:

ClinVar aggregate classification (germline): Uncertain significance. Review status: criteria provided, multiple submitters, no conflicts (2 of 4 stars). 2 submissions from 2 submitters: Uncertain significance (2). Last evaluated 2025-07-14.

Conditions:
Hereditary cancer-predisposing syndrome. Also called: Hereditary Cancer Syndrome; Neoplastic Syndromes, Hereditary; Hereditary neoplastic syndrome; Tumor predisposition. Identifiers: Orphanet 140162, MedGen C0027672, MeSH D009386, MONDO:0015356.
EGFR-related lung cancer (EGFR). Identifiers: MedGen CN130014.

Submissions (2):

Ambry Genetics
Classification: Uncertain significance for Hereditary cancer-predisposing syndrome. Last evaluated: 2025-07-14. Review status: criteria provided, single submitter. Criteria: Ambry Variant Classification Scheme 2023. Collection method: clinical testing. Allele origin: germline.
Comment: The c.675C>T variant (also known as p.G225G), located in coding exon 6 of the EGFR gene, results from a C to T substitution at nucleotide position 675. This nucleotide substitution does not change the amino acid at codon 225. This nucleotide position is not well conserved in available vertebrate species. In silico splice site analysis predicts that this alteration will result in the creation or strengthening of a novel splice donor site. Based on the available evidence, the clinical significance of this variant remains unclear.

Labcorp Genetics (formerly Invitae), Labcorp
Classification: Uncertain significance for EGFR-related lung cancer. Last evaluated: 2024-06-08. Review status: criteria provided, single submitter. Criteria: Invitae Variant Classification Sherloc (09022015). Collection method: clinical testing. Allele origin: germline.
Comment: This sequence change affects codon 225 of the EGFR mRNA. It is a 'silent' change, meaning that it does not change the encoded amino acid sequence of the EGFR protein. This variant is not present in population databases (gnomAD no frequency). This variant has not been reported in the literature in individuals affected with EGFR-related conditions. Algorithms developed to predict the effect of sequence changes on RNA splicing suggest that this variant may create or strengthen a splice site. In summary, the available evidence is currently insufficient to determine the role of this variant in disease. Therefore, it has been classified as a Variant of Uncertain Significance.

NM_005228.5(EGFR):c.675C>T (p.Gly225=)

Gene: EGFR (epidermal growth factor receptor; plus strand). Cytogenetic location: 7p11.2.
Variant type: single nucleotide variant.
Coding change: c.675C>T on transcript NM_005228.5 (MANE Select); coding-DNA position 675, C replaced by T.
Protein change: p.Gly225=; no amino-acid change (glycine 225 retained).
Molecular consequence: synonymous variant. On other transcripts: intron variant (1).
Genome position (GRCh38, 1-based): chr7:55,152,592, C>T. VCF-style: chr7-55152592-C-T. GRCh37 (hg19) VCF-style: chr7-55220285-C-T.
Other names: c.540C>T, p.Gly180= (NM_001346897.2, NM_001346899.2); c.675C>T, p.Gly225= (NM_001346898.2, NM_201282.2, NM_201283.2 and 1 more transcripts); c.516C>T, p.Gly172= (NM_001346900.2); c.89-3238C>T (NM_001346941.2).
Identifiers: ClinVar variation 3655854 (VCV003655854.3).